The following is an entry in ClinVar:

NM_020975.6(RET):c.545C>T (p.Pro182Leu)

Gene: RET (ret proto-oncogene; plus strand). Cytogenetic location: 10q11.21.
Variant type: single nucleotide variant.
Coding change: c.545C>T on transcript NM_020975.6 (MANE Select); coding-DNA position 545, C replaced by T.
Protein change: p.Pro182Leu; replaces proline 182 with leucine.
Molecular consequence: missense variant. On other transcripts: intron variant (15).
Genome position (GRCh38, 1-based): chr10:43,102,549, C>T. VCF-style: chr10-43102549-C-T. GRCh37 (hg19) VCF-style: chr10-43597997-C-T.
Other names: c.545C>T, p.Pro182Leu (NM_000323.2, NM_001406743.1, NM_001406744.1 and 16 more transcripts); c.416C>T, p.Pro139Leu (NM_001406761.1, NM_001406762.1, NM_001406764.1 and 4 more transcripts); c.337+1827C>T (NM_001406770.1, NM_001406766.1, NM_001406767.1 and 8 more transcripts); c.74-6482C>T (NM_001406784.1); c.74-9550C>T (NM_001406794.1, NM_001406792.1, NM_001406793.1); short protein forms P139L, P182L.
Identifiers: ClinVar variation 2568329 (VCV002568329.3), dbSNP rs1837664694, ClinGen allele CA376543445.

ClinVar aggregate classification (germline): Uncertain significance. Review status: criteria provided, multiple submitters, no conflicts (2 of 4 stars). 2 submissions from 2 submitters: Uncertain significance (2). Last evaluated 2023-07-20.

Conditions:
Hereditary cancer-predisposing syndrome. Also called: Hereditary neoplastic syndrome; Hereditary Cancer Syndrome; Neoplastic Syndromes, Hereditary; Tumor predisposition. Identifiers: Orphanet 140162, MedGen C0027672, MeSH D009386, MONDO:0015356.

Submissions (2):

GeneDx
Classification: Uncertain significance. Last evaluated: 2023-07-20. Review status: criteria provided, single submitter. Criteria: GeneDx Variant Classification Process June 2021. Collection method: clinical testing. Allele origin: germline. Affected: yes.
Comment: Not observed at significant frequency in large population cohorts (gnomAD); In silico analysis supports that this missense variant has a deleterious effect on protein structure/function; Has not been previously published as pathogenic or benign to our knowledge; This variant is associated with the following publications: (PMID: 14633923)

Ambry Genetics
Classification: Uncertain significance for Hereditary cancer-predisposing syndrome. Last evaluated: 2023-04-12. Review status: criteria provided, single submitter. Criteria: Ambry Variant Classification Scheme 2023. Collection method: clinical testing. Allele origin: germline.
Comment: The p.P182L variant (also known as c.545C>T), located in coding exon 3 of the RET gene, results from a C to T substitution at nucleotide position 545. The proline at codon 182 is replaced by leucine, an amino acid with similar properties. This amino acid position is well conserved in available vertebrate species. In addition, this alteration is predicted to be tolerated by in silico analysis. Since supporting evidence is limited at this time, the clinical significance of this alteration remains unclear.